The following is an entry in ClinVar:

NM_001558.4(IL10RA):c.1624G>T (p.Ala542Ser)

Gene: IL10RA (interleukin 10 receptor subunit alpha; plus strand). Cytogenetic location: 11q23.3.
Variant type: single nucleotide variant.
Coding change: c.1624G>T on transcript NM_001558.4 (MANE Select); coding-DNA position 1624, G replaced by T.
Protein change: p.Ala542Ser; replaces alanine 542 with serine.
Molecular consequence: missense variant. On other transcripts: non-coding transcript variant (1).
Genome position (GRCh38, 1-based): chr11:117,999,528, G>T. VCF-style: chr11-117999528-G-T. GRCh37 (hg19) VCF-style: chr11-117870243-G-T.
Other names: short protein forms A542S.
Identifiers: ClinVar variation 1358877 (VCV001358877.7), dbSNP rs1256749577, ClinGen allele CA382782396.
Genomic context (GRCh38, chr11:117,999,528, plus strand): 5'-GAATGGTCACTCCTGGCCTTGAGCAGCTGCAGTGACCTGGGAATATCTGACTGGAGCTTT[G>T]CCCATGACCTTGCCCCTCTAGGCTGTGTGGCAGCCCCAGGTGGTCTCCTGGGCAGCTTTA-3'
Protein context (NP_001549.2, residues 532-552): SDLGISDWSF[Ala542Ser]HDLAPLGCVA

ClinVar aggregate classification (germline): Uncertain significance (1 of 4 stars; one submission).

Conditions:
Inflammatory bowel disease 28. Also called: Inflammatory bowel disease 28, early onset, autosomal recessive. Identifiers: Orphanet 238569, MedGen C2751053, MONDO:0013153, OMIM 613148.

Allele frequency attached by ClinVar (database versions not stated): gnomAD exomes below 0.00001.
gnomAD v4.1: 3 of 1,614,064 alleles (0.00019%); highest among the groups gnomAD compares: Non-Finnish European, 0.00025%; no homozygotes.

Submission:

Labcorp Genetics (formerly Invitae), Labcorp
Classification: Uncertain significance for Inflammatory bowel disease 28. Last evaluated: 2023-09-10. Review status: criteria provided, single submitter. Criteria: Invitae Variant Classification Sherloc (09022015). Collection method: clinical testing. Allele origin: germline.
Comment: This variant has not been reported in the literature in individuals affected with IL10RA-related conditions. This variant is present in population databases (no rsID available, gnomAD 0.0009%). This sequence change replaces alanine, which is neutral and non-polar, with serine, which is neutral and polar, at codon 542 of the IL10RA protein (p.Ala542Ser). ClinVar contains an entry for this variant (Variation ID: 1358877). In summary, the available evidence is currently insufficient to determine the role of this variant in disease. Therefore, it has been classified as a Variant of Uncertain Significance. Advanced modeling of protein sequence and biophysical properties (such as structural, functional, and spatial information, amino acid conservation, physicochemical variation, residue mobility, and thermodynamic stability) performed at Invitae indicates that this missense variant is not expected to disrupt IL10RA protein function.